The following is an entry in ClinVar:

ClinVar aggregate classification (germline): Uncertain significance. Review status: criteria provided, multiple submitters, no conflicts (2 of 4 stars). 2 submissions from 2 submitters: Uncertain significance (2). Last evaluated 2023-09-05.

gnomAD v4.1: 1 of 1,613,588 alleles (0.000062%); highest among the groups gnomAD compares: Non-Finnish European, 0.000085%; no homozygotes.

Submissions (2):

Revvity Omics, Revvity
Classification: Uncertain significance. Last evaluated: 2023-09-05. Review status: criteria provided, single submitter. Criteria: ACMG Guidelines, 2015. Collection method: clinical testing. Allele origin: germline.

GeneDx
Classification: Uncertain significance. Last evaluated: 2023-03-01. Review status: criteria provided, single submitter. Criteria: GeneDx Variant Classification Process June 2021. Collection method: clinical testing. Allele origin: germline. Affected: yes.
Comment: Not observed at significant frequency in large population cohorts (gnomAD); In silico analysis supports that this missense variant has a deleterious effect on protein structure/function; Has not been previously published as pathogenic or benign to our knowledge; This variant is associated with the following publications: (PMID: 12668474)

NM_000540.3(RYR1):c.6866C>T (p.Ala2289Val)

Gene: RYR1 (ryanodine receptor 1; plus strand). Cytogenetic location: 19q13.2.
Variant type: single nucleotide variant.
Coding change: c.6866C>T on transcript NM_000540.3 (MANE Select); coding-DNA position 6866, C replaced by T.
Protein change: p.Ala2289Val; replaces alanine 2289 with valine.
Molecular consequence: missense variant.
Genome position (GRCh38, 1-based): chr19:38,496,929, C>T. VCF-style: chr19-38496929-C-T. GRCh37 (hg19) VCF-style: chr19-38987569-C-T.
Other names: c.6866C>T, p.Ala2289Val (NM_001042723.2); short protein forms A2289V.
Identifiers: ClinVar variation 2578272 (VCV002578272.2), dbSNP rs759553786, ClinGen allele CA405666593.